The following is an entry in ClinVar:

NM_001368894.2(PAX6):c.47del (p.Val16fs)

Gene: PAX6 (paired box 6; minus strand). Cytogenetic location: 11p13.
Variant type: Deletion.
Coding change: c.47del on transcript NM_001368894.2 (MANE Select); coding-DNA position 47, one base deleted (T; older notation c.47delT).
Protein change: p.Val16fs; shifts the reading frame from valine 16.
Molecular consequence: frameshift variant. On other transcripts: 5 prime UTR variant (12), non-coding transcript variant (2), intron variant (2).
Genome position (GRCh38, 1-based): chr11:31,802,798, A deleted on the plus strand (T on the coding strand, the reverse complement: PAX6 is on the minus strand). VCF-style (leftmost placement, unchanged base first): chr11-31802797-GA-G. GRCh37 (hg19) VCF-style: chr11-31824345-GA-G.
Other names: c.47del, p.Val16fs (NM_000280.6, NM_001127612.3, NM_001258462.3 and 30 more transcripts); c.-735del (NM_001310160.2, NM_001368905.2); c.-404del (NM_001310161.3, NM_001368900.2, NM_001368903.2 and 2 more transcripts); c.-362del (NM_001368899.2, NM_001368901.2, NM_001368906.2 and 1 more transcripts); c.-693del (NM_001368902.2); c.290del, p.Val97fs (NM_001368910.2); c.50del, p.Val17fs (NM_001368911.2); c.-267-1022del (NM_001368909.2, NM_001368904.2); short protein forms V17fs, V16fs, V97fs.
Identifiers: ClinVar variation 2947946 (VCV002947946.3), dbSNP rs2496306498, ClinGen allele CA2740093667.

ClinVar aggregate classification (germline): Pathogenic (1 of 4 stars; one submission).

Conditions:
Aniridia 1 (AN1). Identifiers: Orphanet 250923, MedGen C0344542, MONDO:0024507, OMIM 106210.
Irido-corneo-trabecular dysgenesis (ASGD5). Also called: ANTERIOR SEGMENT DYSGENESIS 5. Identifiers: Orphanet 708, MedGen C0344559, MONDO:0011414, OMIM 604229, HP:0000659.

Submission:

Labcorp Genetics (formerly Invitae), Labcorp
Classification: Pathogenic for Aniridia 1; Irido-corneo-trabecular dysgenesis. Last evaluated: 2023-05-30. Review status: criteria provided, single submitter. Criteria: Invitae Variant Classification Sherloc (09022015). Collection method: clinical testing. Allele origin: germline.
Comment: For these reasons, this variant has been classified as Pathogenic. This variant has not been reported in the literature in individuals affected with PAX6-related conditions. This variant is not present in population databases (gnomAD no frequency). This sequence change creates a premature translational stop signal (p.Val16Alafs*15) in the PAX6 gene. It is expected to result in an absent or disrupted protein product. Loss-of-function variants in PAX6 are known to be pathogenic (PMID: 12634864).

Literature cited by the submitters: PubMed 12634864.